The following is an entry in ClinVar:

ClinVar aggregate classification (germline): Conflicting classifications of pathogenicity. Review status: criteria provided, conflicting classifications (1 of 4 stars). 4 submissions from 4 submitters: Likely pathogenic (1); Uncertain significance (2). 1 of the submissions does not count toward it. Last evaluated 2024-06-22.

Conditions:
UDPglucose-4-epimerase deficiency. Also called: UDPglucose 4-Epimerase Deficiency Disease; GALACTOSEMIA III; GALE DEFICIENCY; Galactose epimerase deficiency; Epimerase Deficiency Galactosemia; UDP-GALACTOSE-4-EPIMERASE DEFICIENCY. Identifiers: Orphanet 352, Orphanet 79238, MedGen C0751161, MONDO:0009257, OMIM 230350.
Thrombocytopenia 13, syndromic. Also called: THROMBOCYTOPENIA, AUTOSOMAL RECESSIVE, 13. Identifiers: MedGen C5935599, MONDO:0958333, OMIM 620776.

Allele frequency attached by ClinVar (database versions not stated): gnomAD 0.00001; TOPMed 0.00002.
gnomAD v4.1: 3 of 1,613,518 alleles (0.00019%); highest among the groups gnomAD compares: Admixed American, 0.0017%; no homozygotes.

Submissions (4):

Fulgent Genetics
Classification: Likely pathogenic for UDPglucose-4-epimerase deficiency; Thrombocytopenia 13, syndromic. Last evaluated: 2024-06-22. Review status: criteria provided, single submitter. Criteria: ACMG Guidelines, 2015. Collection method: clinical testing. Allele origin: germline.

Women's Health and Genetics/Laboratory Corporation of America, LabCorp
Classification: Uncertain significance. Last evaluated: 2024-06-20. Review status: criteria provided, single submitter. Criteria: LabCorp Variant Classification Summary - May 2015. Collection method: clinical testing. Allele origin: germline.
Comment: Variant summary: GALE c.668T>C (p.Leu223Pro) results in a non-conservative amino acid change located in the NAD(P)-binding domain (IPR016040) of the encoded protein sequence. Five of five in-silico tools predict a damaging effect of the variant on protein function. The variant was absent in 250008 control chromosomes (gnomAD). The available data on variant occurrences in the general population are insufficient to allow any conclusion about variant significance. c.668T>C has been reported in the literature in an individual in compound heterozygous state affected with clinical features of UDP glucose-4-Epimerase Deficiency and reduced GALE enzymatic activity (example: Marin-Quilez_2023). These data do not allow any conclusion about variant significance. To our knowledge, no experimental evidence demonstrating an impact on protein function has been reported. ClinVar contains an entry for this variant (Variation ID: 1424506). Based on the evidence outlined above, the variant was classified as uncertain significance.

Labcorp Genetics (formerly Invitae), Labcorp
Classification: Uncertain significance for UDPglucose-4-epimerase deficiency. Last evaluated: 2020-11-18. Review status: criteria provided, single submitter. Criteria: Invitae Variant Classification Sherloc (09022015). Collection method: clinical testing. Allele origin: germline.
Comment: In summary, the available evidence is currently insufficient to determine the role of this variant in disease. Therefore, it has been classified as a Variant of Uncertain Significance. Algorithms developed to predict the effect of missense changes on protein structure and function (SIFT, PolyPhen-2, Align-GVGD) all suggest that this variant is likely to be disruptive, but these predictions have not been confirmed by published functional studies and their clinical significance is uncertain. This variant has not been reported in the literature in individuals with GALE-related disease. This variant is not present in population databases (ExAC no frequency). This sequence change replaces leucine with proline at codon 223 of the GALE protein (p.Leu223Pro). The leucine residue is highly conserved and there is a moderate physicochemical difference between leucine and proline.

OMIM
Classification: Pathogenic for THROMBOCYTOPENIA 13, SYNDROMIC. Last evaluated: 2024-04-05. Review status: no assertion criteria provided. Collection method: literature only. Allele origin: germline. Not counted in ClinVar's aggregate classification.

Literature cited by the submitters: PubMed 36395340 (cited by Women's Health and Genetics/Laboratory Corporation of America, LabCorp and OMIM).

NM_001008216.2(GALE):c.668T>C (p.Leu223Pro)

Gene: GALE (UDP-galactose-4-epimerase; minus strand). Cytogenetic location: 1p36.11.
Variant type: single nucleotide variant.
Coding change: c.668T>C on transcript NM_001008216.2 (MANE Select); coding-DNA position 668, T replaced by C.
Protein change: p.Leu223Pro; replaces leucine 223 with proline.
Molecular consequence: missense variant.
Genome position (GRCh38, 1-based): chr1:23,796,917, A>G on the plus strand (T>C on the coding strand, the complement: GALE is on the minus strand). VCF-style: chr1-23796917-A-G. GRCh37 (hg19) VCF-style: chr1-24123407-A-G.
Other names: c.668T>C, p.Leu223Pro (NM_000403.4, NM_001127621.2); short protein forms L223P.
Identifiers: ClinVar variation 1424506 (VCV001424506.11), dbSNP rs1457875051, ClinGen allele CA339008483.